The following is an entry in ClinVar:

ClinVar aggregate classification (germline): Uncertain significance (1 of 4 stars; one submission).

Conditions:
Cardiovascular phenotype. Identifiers: MedGen CN230736.

Submission:

Ambry Genetics
Classification: Uncertain significance for Cardiovascular phenotype. Last evaluated: 2025-08-03. Review status: criteria provided, single submitter. Criteria: Ambry Variant Classification Scheme 2023. Collection method: clinical testing. Allele origin: germline.
Comment: The p.H210Y variant (also known as c.628C>T), located in coding exon 5 of the MYBPC3 gene, results from a C to T substitution at nucleotide position 628. The histidine at codon 210 is replaced by tyrosine, an amino acid with similar properties. This amino acid position is conserved. In addition, this alteration is predicted to be tolerated by in silico analysis. Based on the available evidence, the clinical significance of this variant remains unclear.

NM_000256.3(MYBPC3):c.628C>T (p.His210Tyr)

Gene: MYBPC3 (myosin binding protein C3; minus strand). Cytogenetic location: 11p11.2.
Variant type: single nucleotide variant.
Coding change: c.628C>T on transcript NM_000256.3 (MANE Select); coding-DNA position 628, C replaced by T.
Protein change: p.His210Tyr; replaces histidine 210 with tyrosine.
Molecular consequence: missense variant.
Genome position (GRCh38, 1-based): chr11:47,349,800, G>A on the plus strand (C>T on the coding strand, the complement: MYBPC3 is on the minus strand). VCF-style: chr11-47349800-G-A. GRCh37 (hg19) VCF-style: chr11-47371351-G-A.
Other names: short protein forms H210Y.
Identifiers: ClinVar variation 4114329 (VCV004114329.1).